The following is an entry in ClinVar:

NM_007294.4(BRCA1):c.1255G>T (p.Val419Leu)

Gene: BRCA1 (BRCA1 DNA repair associated; minus strand). Cytogenetic location: 17q21.31.
Variant type: single nucleotide variant.
Coding change: c.1255G>T on transcript NM_007294.4 (MANE Select); coding-DNA position 1255, G replaced by T.
Protein change: p.Val419Leu; replaces valine 419 with leucine.
Molecular consequence: missense variant. On other transcripts: intron variant (137).
Genome position (GRCh38, 1-based): chr17:43,094,276, C>A on the plus strand (G>T on the coding strand, the complement: BRCA1 is on the minus strand). VCF-style: chr17-43094276-C-A. GRCh37 (hg19) VCF-style: chr17-41246293-C-A.
Other names: c.1042G>T, p.Val348Leu (NM_001407571.1, NM_001407853.1, NM_001407894.1 and 9 more transcripts); c.1255G>T, p.Val419Leu (NM_001407581.1, NM_001407582.1, NM_001407583.1 and 30 more transcripts); c.1252G>T, p.Val418Leu (NM_001407587.1, NM_001407590.1, NM_001407591.1 and 22 more transcripts); c.1246G>T, p.Val416Leu (NM_001407646.1, NM_001407647.1); c.1132G>T, p.Val378Leu (NM_001407648.1, NM_001407664.1, NM_001407665.1 and 19 more transcripts); c.1129G>T, p.Val377Leu (NM_001407649.1, NM_001407670.1, NM_001407671.1 and 11 more transcripts); c.1177G>T, p.Val393Leu (NM_001407653.1, NM_001407654.1, NM_001407655.1 and 4 more transcripts); c.1174G>T, p.Val392Leu (NM_001407659.1, NM_001407660.1, NM_001407661.1 and 1 more transcripts); and 40 more; short protein forms V291L, V351L, V377L, V393L, V330L, V331L, V349L, V352L.
Identifiers: ClinVar variation 1761777 (VCV001761777.4), dbSNP rs876658873, ClinGen allele CA10599542.

ClinVar aggregate classification (germline): Conflicting classifications of pathogenicity. Review status: criteria provided, conflicting classifications (1 of 4 stars). 2 submissions from 2 submitters: Uncertain significance (1); Likely benign (1). Last evaluated 2023-03-23.

Conditions:
Hereditary cancer-predisposing syndrome. Also called: Neoplastic Syndromes, Hereditary; Tumor predisposition; Hereditary Cancer Syndrome; Hereditary neoplastic syndrome. Identifiers: Orphanet 140162, MedGen C0027672, MeSH D009386, MONDO:0015356.

Submissions (2):

University of Washington Department of Laboratory Medicine, University of Washington
Classification: Likely benign for Hereditary cancer-predisposing syndrome. Last evaluated: 2023-03-23. Review status: criteria provided, single submitter. Criteria: Dines et al. (Genet Med. 2020). Collection method: curation. Allele origin: germline.
Comment: Missense variant in a coldspot region where missense variants are very unlikely to be pathogenic (PMID:31911673).

BRCA1 coldspot (exon 11 using historical exon numbering). Reclassification based on statistical prior probability

Ambry Genetics
Classification: Uncertain significance for Hereditary cancer-predisposing syndrome. Last evaluated: 2019-04-10. Review status: criteria provided, single submitter. Criteria: Ambry Variant Classification Scheme 2023. Collection method: clinical testing. Allele origin: germline.
Comment: The p.V419L variant (also known as c.1255G>T), located in coding exon 9 of the BRCA1 gene, results from a G to T substitution at nucleotide position 1255. The valine at codon 419 is replaced by leucine, an amino acid with highly similar properties. This amino acid position is not well conserved in available vertebrate species. In addition, the in silico prediction for this alteration is inconclusive. Since supporting evidence is limited at this time, the clinical significance of this alteration remains unclear.